The following is an entry in ClinVar:

NM_144572.2(TBC1D2B):c.2052G>A (p.Lys684=)

Gene: TBC1D2B (TBC1 domain family member 2B; minus strand). Cytogenetic location: 15q25.1.
Variant type: single nucleotide variant.
Coding change: c.2052G>A on transcript NM_144572.2 (MANE Select); coding-DNA position 2052, G replaced by A.
Protein change: p.Lys684=; no amino-acid change (lysine 684 retained).
Molecular consequence: synonymous variant.
Genome position (GRCh38, 1-based): chr15:78,013,041, C>T on the plus strand (G>A on the coding strand, the complement: TBC1D2B is on the minus strand). VCF-style: chr15-78013041-C-T. GRCh37 (hg19) VCF-style: chr15-78305383-C-T.
Other names: c.2052G>A, p.Lys684= (NM_001387142.1, NM_001387144.1, NM_015079.6); c.2049G>A, p.Lys683= (NM_001387143.1); c.1716G>A, p.Lys572= (NM_001387145.1, NM_001387146.1, NM_001387147.1 and 1 more transcripts); c.1602G>A, p.Lys534= (NM_001387149.1).
Identifiers: ClinVar variation 2645602 (VCV002645602.24), dbSNP rs768925166, ClinGen allele CA7679306.

ClinVar aggregate classification (germline): Likely benign (1 of 4 stars; one submission).

Allele frequency attached by ClinVar (database versions not stated): ExAC 0.00012; gnomAD exomes 0.00008; TOPMed 0.00008; gnomAD 0.00010.
gnomAD v4.1: 139 of 1,613,828 alleles (0.0086%); highest among the groups gnomAD compares: Middle Eastern, 0.066%; 1 homozygote.

Submission:

CeGaT Center for Human Genetics Tuebingen
Classification: Likely benign. Last evaluated: 2022-04-01. Review status: criteria provided, single submitter. Criteria: CeGaT Center For Human Genetics Tuebingen Variant Classification Criteria Version 2. Collection method: clinical testing. Allele origin: germline. Affected: yes. Observed: 2 variant alleles.
Comment: TBC1D2B: BP4, BP7